The following is an entry in ClinVar:

ClinVar aggregate classification (germline): Benign/Likely benign. Review status: criteria provided, multiple submitters, no conflicts (2 of 4 stars). 4 submissions from 4 submitters: Benign (1); Likely benign (3). Last evaluated 2025-07-29.

Conditions:
Tuberous sclerosis syndrome (TSC). Also called: Tuberous Sclerosis Complex; Tuberous sclerosis. Identifiers: Orphanet 805, MedGen C0041341, MONDO:0001734.
Tuberous sclerosis 2 (TSC2). Identifiers: Orphanet 805, MedGen C1860707, MONDO:0013199, OMIM 613254.
Hereditary cancer-predisposing syndrome. Also called: Neoplastic Syndromes, Hereditary; Tumor predisposition; Hereditary Cancer Syndrome; Hereditary neoplastic syndrome. Identifiers: Orphanet 140162, MedGen C0027672, MeSH D009386, MONDO:0015356.

Allele frequency attached by ClinVar (database versions not stated): gnomAD exomes 0.00001.
gnomAD v4.1: 21 of 1,614,170 alleles (0.0013%); highest among the groups gnomAD compares: Non-Finnish European, 0.0017%; no homozygotes.

Submissions (4):

Labcorp Genetics (formerly Invitae), Labcorp
Classification: Likely benign for Tuberous sclerosis 2. Last evaluated: 2025-07-29. Review status: criteria provided, single submitter. Criteria: Invitae Variant Classification Sherloc (09022015). Collection method: clinical testing. Allele origin: germline.

Color Diagnostics, LLC DBA Color Health
Classification: Likely benign for Tuberous sclerosis syndrome. Last evaluated: 2025-07-25. Review status: criteria provided, single submitter. Criteria: ACMG Guidelines, 2015. Collection method: clinical testing. Allele origin: germline.

Myriad Genetics, Inc.
Classification: Benign for Tuberous sclerosis 2. Last evaluated: 2025-05-02. Review status: criteria provided, single submitter. Criteria: Myriad Autosomal Dominant, Autosomal Recessive and X-Linked Classification Criteria (2023). Collection method: clinical testing. Allele origin: unknown.
Comment: This variant is considered benign. This variant is a silent/synonymous amino acid change and it is not expected to impact splicing.

Ambry Genetics
Classification: Likely benign for Hereditary cancer-predisposing syndrome. Last evaluated: 2020-10-07. Review status: criteria provided, single submitter. Criteria: Ambry Variant Classification Scheme 2023. Collection method: clinical testing. Allele origin: germline.

NM_000548.5(TSC2):c.351G>A (p.Gly117=)

Gene: TSC2 (TSC complex subunit 2; plus strand). Cytogenetic location: 16p13.3.
Variant type: single nucleotide variant.
Coding change: c.351G>A on transcript NM_000548.5 (MANE Select); coding-DNA position 351, G replaced by A.
Protein change: p.Gly117=; no amino-acid change (glycine 117 retained).
Molecular consequence: synonymous variant. On other transcripts: intron variant (1).
Genome position (GRCh38, 1-based): chr16:2,054,310, G>A. VCF-style: chr16-2054310-G-A. GRCh37 (hg19) VCF-style: chr16-2104311-G-A.
Other names: c.351G>A, p.Gly117= (NM_001077183.3, NM_001114382.3, NM_001363528.2 and 3 more transcripts); c.240G>A, p.Gly80= (NM_001318827.2); c.204G>A, p.Gly68= (NM_001318829.2); c.384G>A, p.Gly128= (NM_001318832.2); c.-1-1886G>A (NM_001318831.2).
Identifiers: ClinVar variation 536045 (VCV000536045.15), dbSNP rs1555497554, ClinGen allele CA492955345.